The following is an entry in ClinVar:

NM_014989.7(RIMS1):c.3534C>T (p.Gly1178=)

Gene: RIMS1 (regulating synaptic membrane exocytosis 1; plus strand). Cytogenetic location: 6q13.
Variant type: single nucleotide variant.
Coding change: c.3534C>T on transcript NM_014989.7 (MANE Select); coding-DNA position 3534, C replaced by T.
Protein change: p.Gly1178=; no amino-acid change (glycine 1178 retained).
Molecular consequence: synonymous variant. On other transcripts: intron variant (33).
Genome position (GRCh38, 1-based): chr6:72,284,098, C>T. VCF-style: chr6-72284098-C-T. GRCh37 (hg19) VCF-style: chr6-72993801-C-T.
Other names: c.1677C>T, p.Gly559= (NM_001168407.2, NM_001350422.2, NM_001350438.2 and 1 more transcripts); c.1437C>T, p.Gly479= (NM_001168409.2, NM_001350469.2); c.1635C>T, p.Gly545= (NM_001168410.2); c.1761C>T, p.Gly587= (NM_001350415.2, NM_001350445.2); c.1680C>T, p.Gly560= (NM_001350416.2, NM_001350417.2, NM_001350442.2 and 2 more transcripts); c.1527C>T, p.Gly509= (NM_001350426.2, NM_001350460.2); c.1611C>T, p.Gly537= (NM_001350428.2); c.1608C>T, p.Gly536= (NM_001350430.2); and 30 more.
Identifiers: ClinVar variation 2812002 (VCV002812002.3), dbSNP rs2552182636, ClinGen allele CA450885978.

ClinVar aggregate classification (germline): Uncertain significance (1 of 4 stars; one submission).

Submission:

Labcorp Genetics (formerly Invitae), Labcorp
Classification: Uncertain significance. Last evaluated: 2023-03-04. Review status: criteria provided, single submitter. Criteria: Invitae Variant Classification Sherloc (09022015). Collection method: clinical testing. Allele origin: germline.
Comment: In summary, the available evidence is currently insufficient to determine the role of this variant in disease. Therefore, it has been classified as a Variant of Uncertain Significance. Algorithms developed to predict the effect of sequence changes on RNA splicing suggest that this variant may disrupt the consensus splice site. This variant has not been reported in the literature in individuals affected with RIMS1-related conditions. This variant is not present in population databases (gnomAD no frequency). This sequence change affects codon 1178 of the RIMS1 mRNA. It is a 'silent' change, meaning that it does not change the encoded amino acid sequence of the RIMS1 protein.